The following is an entry in ClinVar:

ClinVar aggregate classification (germline): Likely benign (1 of 4 stars; one submission).

Conditions:
Aneurysm-osteoarthritis syndrome. Also called: SMAD3-Related Loeys-Dietz Syndrome; ANEURYSMS-OSTEOARTHRITIS SYNDROME; Loeys-Dietz syndrome, type 1C; LOEYS-DIETZ SYNDROME WITH OSTEOARTHRITIS. Identifiers: Orphanet 284984, MedGen C3151087, MONDO:0013426, OMIM 613795.

Submission:

All of Us Research Program, National Institutes of Health
Classification: Likely benign for Aneurysm-osteoarthritis syndrome. Last evaluated: 2023-05-16. Review status: criteria provided, single submitter. Criteria: ACMG Guidelines, 2015. Collection method: clinical testing. Allele origin: germline. Inheritance: Autosomal dominant inheritance. Observed: 1 variant allele, 1 heterozygote.
Comment: This study involves interpretation of variants in research participants for the purpose of population health screening. Participant phenotype was not available at the time of variant classification. Additional details can be found in publication PMID: 35346344, PMCID: PMC8962531

NM_005902.4(SMAD3):c.663G>A (p.Leu221=)

Gene: SMAD3 (SMAD family member 3; plus strand). Cytogenetic location: 15q22.33.
Variant type: single nucleotide variant.
Coding change: c.663G>A on transcript NM_005902.4 (MANE Select); coding-DNA position 663, G replaced by A.
Protein change: p.Leu221=; no amino-acid change (leucine 221 retained).
Molecular consequence: synonymous variant.
Genome position (GRCh38, 1-based): chr15:67,181,245, G>A. VCF-style: chr15-67181245-G-A. GRCh37 (hg19) VCF-style: chr15-67473583-G-A.
Other names: c.348G>A, p.Leu116= (NM_001145102.2, NM_001407016.1); c.531G>A, p.Leu177= (NM_001145103.2, NM_001407012.1); c.78G>A, p.Leu26= (NM_001145104.2, NM_001407017.1); c.663G>A, p.Leu221= (NM_001407011.1, NM_001407013.1); c.516G>A, p.Leu172= (NM_001407014.1); c.216G>A, p.Leu72= (NM_001407015.1).
Identifiers: ClinVar variation 3071141 (VCV003071141.1), dbSNP rs2505282818, ClinGen allele CA490914350.